The following is an entry in ClinVar:

NM_000701.8(ATP1A1):c.49G>A (p.Glu17Lys)

Gene: ATP1A1 (ATPase Na+/K+ transporting subunit alpha 1; plus strand). Cytogenetic location: 1p13.1.
Variant type: single nucleotide variant.
Coding change: c.49G>A on transcript NM_000701.8 (MANE Select); coding-DNA position 49, G replaced by A.
Protein change: p.Glu17Lys; replaces glutamic acid 17 with lysine.
Molecular consequence: missense variant. On other transcripts: 5 prime UTR variant (1).
Genome position (GRCh38, 1-based): chr1:116,384,050, G>A. VCF-style: chr1-116384050-G-A. GRCh37 (hg19) VCF-style: chr1-116926672-G-A.
Other names: c.49G>A, p.Glu17Lys (NM_001160233.2); c.-45G>A (NM_001160234.2); short protein forms E17K.
Identifiers: ClinVar variation 4799928 (VCV004799928.1).

ClinVar aggregate classification (germline): Uncertain significance (1 of 4 stars; one submission).

Submission:

Labcorp Genetics (formerly Invitae), Labcorp
Classification: Uncertain significance. Last evaluated: 2025-10-25. Review status: criteria provided, single submitter. Criteria: Invitae Variant Classification Sherloc (09022015). Collection method: clinical testing. Allele origin: germline.
Comment: This sequence change replaces glutamic acid, which is acidic and polar, with lysine, which is basic and polar, at codon 17 of the ATP1A1 protein (p.Glu17Lys). This variant is not present in population databases (gnomAD no frequency). This variant has not been reported in the literature in individuals affected with ATP1A1-related conditions. Invitae Evidence Modeling of protein sequence and biophysical properties (such as structural, functional, and spatial information, amino acid conservation, physicochemical variation, residue mobility, and thermodynamic stability) indicates that this missense variant is not expected to disrupt ATP1A1 protein function with a negative predictive value of 95%. In summary, the available evidence is currently insufficient to determine the role of this variant in disease. Therefore, it has been classified as a Variant of Uncertain Significance.